The following is an entry in ClinVar:

NM_007294.4(BRCA1):c.2259T>G (p.Ser753Arg)

Gene: BRCA1 (BRCA1 DNA repair associated; minus strand). Cytogenetic location: 17q21.31.
Variant type: single nucleotide variant.
Coding change: c.2259T>G on transcript NM_007294.4 (MANE Select); coding-DNA position 2259, T replaced by G.
Protein change: p.Ser753Arg; replaces serine 753 with arginine.
Molecular consequence: missense variant. On other transcripts: intron variant (137).
Genome position (GRCh38, 1-based): chr17:43,093,272, A>C on the plus strand (T>G on the coding strand, the complement: BRCA1 is on the minus strand). VCF-style: chr17-43093272-A-C. GRCh37 (hg19) VCF-style: chr17-41245289-A-C.
Other names: p.S753R:AGT>AGG; c.2118T>G, p.Ser706Arg (NM_001407738.1, NM_001407739.1, NM_001407692.1 and 29 more transcripts); c.646+1472T>G (NM_001408455.1, NM_001408466.1, NM_001408452.1 and 11 more transcripts); c.577+1472T>G (NM_001408513.1, NM_001408481.1, NM_001408480.1 and 9 more transcripts); c.643+1472T>G (NM_001408468.1, NM_001408470.1, NM_001408464.1 and 3 more transcripts); c.523+1472T>G (NM_001408501.1, NM_001408500.1, NM_001408497.1 and 3 more transcripts); c.2115T>G, p.Ser705Arg (NM_001407740.1, NM_001407741.1, NM_001407743.1 and 20 more transcripts); c.520+1472T>G (NM_001408503.1, NM_001408505.1, NM_001408504.1); and 42 more; short protein forms S753R, S706R, S664R, S683R, S685R, S712R, S726R, S727R.
Identifiers: ClinVar variation 182144 (VCV000182144.9), dbSNP rs730881480, ClinGen allele CA001512.

ClinVar aggregate classification (germline): Conflicting classifications of pathogenicity. Review status: criteria provided, conflicting classifications (1 of 4 stars). 5 submissions from 5 submitters: Uncertain significance (4); Likely benign (1). Last evaluated 2024-05-13.

Conditions:
Hereditary cancer-predisposing syndrome. Also called: Tumor predisposition; Hereditary Cancer Syndrome; Hereditary neoplastic syndrome; Neoplastic Syndromes, Hereditary. Identifiers: Orphanet 140162, MedGen C0027672, MeSH D009386, MONDO:0015356.

Submissions (5):

Color Diagnostics, LLC DBA Color Health
Classification: Uncertain significance for Hereditary cancer-predisposing syndrome. Last evaluated: 2024-05-13. Review status: criteria provided, single submitter. Criteria: ACMG Guidelines, 2015. Collection method: clinical testing. Allele origin: germline.
Comment: This missense variant replaces serine with arginine at codon 753 of the BRCA1 protein. Computational prediction suggests that this variant may not impact protein structure and function. To our knowledge, functional studies have not been reported for this variant. This variant has been detected in a breast cancer case-control meta-analysis in 1/60466 cases and 0/53461 unaffected individuals (PMID: 33471991; Leiden Open Variation Database DB-ID BRCA1_006433). This variant has not been identified in the general population by the Genome Aggregation Database (gnomAD). The available evidence is insufficient to determine the role of this variant in disease conclusively. Therefore, this variant is classified as a Variant of Uncertain Significance.

Quest Diagnostics Nichols Institute San Juan Capistrano
Classification: Uncertain significance. Last evaluated: 2023-10-25. Review status: criteria provided, single submitter. Criteria: Quest Diagnostics criteria. Collection method: clinical testing. Allele origin: unknown.
Comment: The BRCA1 c.2259T>G (p.Ser753Arg) variant has been reported in the published literature in an individual affected with breast cancer in a large scale breast cancer association study (PMID: 33471991 (2021), see also LOVD), and is described to be located in a region of the BRCA1 gene that is tolerant to missense sequence changes (PMID: 31911673 (2020)). This variant has not been reported in large, multi-ethnic general populations (Genome Aggregation Database). Analysis of this variant using bioinformatics tools for the prediction of the effect of amino acid changes on protein structure and function yielded predictions that this variant is benign. Based on the available information, we are unable to determine the clinical significance of this variant.

University of Washington Department of Laboratory Medicine, University of Washington
Classification: Likely benign for Hereditary cancer-predisposing syndrome. Last evaluated: 2023-03-23. Review status: criteria provided, single submitter. Criteria: Dines et al. (Genet Med. 2020). Collection method: curation. Allele origin: germline.
Comment: Missense variant in a coldspot region where missense variants are very unlikely to be pathogenic (PMID:31911673).

BRCA1 coldspot (exon 11 using historical exon numbering). Reclassification based on statistical prior probability

Ambry Genetics
Classification: Uncertain significance for Hereditary cancer-predisposing syndrome. Last evaluated: 2020-03-26. Review status: criteria provided, single submitter. Criteria: Ambry Variant Classification Scheme 2023. Collection method: clinical testing. Allele origin: germline.
Comment: The p.S753R variant (also known as c.2259T>G), located in coding exon 9 of the BRCA1 gene, results from a T to G substitution at nucleotide position 2259. The serine at codon 753 is replaced by arginine, an amino acid with dissimilar properties. This amino acid position is not well conserved in available vertebrate species. In addition, the in silico prediction for this alteration is inconclusive. Since supporting evidence is limited at this time, the clinical significance of this alteration remains unclear.

GeneDx
Classification: Uncertain significance. Last evaluated: 2014-08-26. Review status: criteria provided, single submitter. Criteria: GeneDx Variant Classification (06012015). Collection method: clinical testing. Allele origin: germline. Affected: yes.
Comment: This variant is denoted BRCA1 c.2259T>G at the cDNA level, p.Ser753Arg (S753R) at the protein level, and results in the change of a Serine to an Arginine (AGT>AGG). This variant has not, to our knowledge, been published in the literature as pathogenic or benign. BRCA1 Ser753Arg was not observed in approximately 6,500 individuals of European and African American ancestry in the NHLBI Exome Sequencing Project, indicating it is not a common benign variant in these populations. Since Serine and Arginine differ in some properties, this is considered a semi-conservative amino acid substitution. BRCA1 Ser753Arg occurs at a position that is poorly conserved across species. It is not located in a known functional domain although this position is a modified phosphoserine residue (UniProt). In silico analyses predict that this variant is unlikely to alter protein structure or function. Based on currently available information, it is unclear whether BRCA1 Ser753Arg is pathogenic or benign. We consider it to be a variant of uncertain significance.

Literature cited by the submitters: PubMed 33471991 (cited by Color Diagnostics, LLC DBA Color Health and Quest Diagnostics Nichols Institute San Juan Capistrano); PubMed 31911673 (cited by Quest Diagnostics Nichols Institute San Juan Capistrano).